The following is an entry in ClinVar:

NM_001458.5(FLNC):c.6841dup (p.Gln2281fs)

Genes: FLNC-AS1 (FLNC antisense RNA 1; minus strand), FLNC (filamin C; plus strand). Cytogenetic location: 7q32.1.
Variant type: Duplication.
Coding change: c.6841dup on transcript NM_001458.5 (MANE Select); coding-DNA position 6841, one base duplicated (C; older notation c.6841dupC).
Protein change: p.Gln2281fs; shifts the reading frame from glutamine 2281.
Molecular consequence: frameshift variant.
Genome position (GRCh38, 1-based): chr7:128,854,526, C duplicated; the last of 4 consecutive C bases (chr7:128,854,523-128,854,526); duplicating any one gives the same sequence. VCF-style (leftmost placement, unchanged base first): chr7-128854522-G-GC. GRCh37 (hg19) VCF-style: chr7-128494576-G-GC.
Other names: c.6742dup, p.Gln2248fs (NM_001127487.2); short protein forms Q2248fs, Q2281fs.
Identifiers: ClinVar variation 1069658 (VCV001069658.7), dbSNP rs2128939496, ClinGen allele CA2499218753.

ClinVar aggregate classification (germline): Pathogenic (1 of 4 stars; one submission).

Conditions:
Myofibrillar myopathy 5. Also called: Filaminopathy (type); FILAMINOPATHY, AUTOSOMAL DOMINANT. Identifiers: Orphanet 171445, MedGen C1836050, MONDO:0012289, OMIM 609524.
Distal myopathy with posterior leg and anterior hand involvement. Also called: WILLIAMS DISTAL MYOPATHY. Identifiers: Orphanet 63273, MedGen C3279722, MONDO:0013550, OMIM 614065.
Hypertrophic cardiomyopathy 26. Also called: Cardiomyopathy, familial hypertrophic, 26. Identifiers: Orphanet 75249, MedGen C4310749, MONDO:0014883, OMIM 617047.

Submission:

Labcorp Genetics (formerly Invitae), Labcorp
Classification: Pathogenic for Distal myopathy with posterior leg and anterior hand involvement; Myofibrillar myopathy 5; Hypertrophic cardiomyopathy 26. Last evaluated: 2021-05-08. Review status: criteria provided, single submitter. Criteria: Invitae Variant Classification Sherloc (09022015). Collection method: clinical testing. Allele origin: germline.
Comment: This sequence change creates a premature translational stop signal (p.Gln2281Profs*31) in the FLNC gene. It is expected to result in an absent or disrupted protein product. This variant is not present in population databases (ExAC no frequency). This variant has not been reported in the literature in individuals with FLNC-related conditions. Loss-of-function variants in FLNC are known to be pathogenic (PMID: 27908349). For these reasons, this variant has been classified as Pathogenic.

Literature cited by the submitters: PubMed 27908349.